The following is an entry in ClinVar:

NM_206933.4(USH2A):c.4481A>T (p.Asn1494Ile)

Gene: USH2A (usherin; minus strand). Cytogenetic location: 1q41.
Variant type: single nucleotide variant.
Coding change: c.4481A>T on transcript NM_206933.4 (MANE Select); coding-DNA position 4481, A replaced by T.
Protein change: p.Asn1494Ile; replaces asparagine 1494 with isoleucine.
Molecular consequence: missense variant.
Genome position (GRCh38, 1-based): chr1:216,175,398, T>A on the plus strand (A>T on the coding strand, the complement: USH2A is on the minus strand). VCF-style: chr1-216175398-T-A. GRCh37 (hg19) VCF-style: chr1-216348740-T-A.
Other names: c.4481A>T, p.Asn1494Ile (NM_007123.6); short protein forms N1494I.
Identifiers: ClinVar variation 971895 (VCV000971895.11), dbSNP rs2034357761, ClinGen allele CA344863800.

ClinVar aggregate classification (germline): Conflicting classifications of pathogenicity. Review status: criteria provided, conflicting classifications (1 of 4 stars). 3 submissions from 3 submitters: Likely pathogenic (1); Uncertain significance (1). 1 of the submissions does not count toward it. Last evaluated 2025-08-01.

Conditions:
Usher syndrome type 2A. Also called: RETINAL DISEASE IN USHER SYNDROME TYPE IIA, MODIFIER OF; USHER SYNDROME, TYPE IIA. Identifiers: Orphanet 231178, Orphanet 886, MedGen C1848634, MONDO:0010169, OMIM 276901.

Submissions (3):

Women's Health and Genetics/Laboratory Corporation of America, LabCorp
Classification: Uncertain significance. Last evaluated: 2025-08-01. Review status: criteria provided, single submitter. Criteria: LabCorp Variant Classification Summary - May 2015. Collection method: clinical testing. Allele origin: germline.
Comment: Variant summary: USH2A c.4481A>T (p.Asn1494Ile) results in a non-conservative amino acid change in the encoded protein sequence. Algorithms developed to predict the effect of missense changes on protein structure and function are either unavailable or do not agree on the potential impact of this missense change. The frequency data for this variant in gnomAD is considered unreliable, as metrics indicate poor data quality at this position. c.4481A>T has been reported in the literature in individuals affected with retinitis pigmentosa (e.g., Ng_2019, Zhu_2021). These report(s) do not provide unequivocal conclusions about association of the variant with Usher Syndrome. To our knowledge, no experimental evidence demonstrating an impact on protein function has been reported. The following publications have been ascertained in the context of this evaluation (PMID: 32675063, 30948794). ClinVar contains an entry for this variant (Variation ID: 971895). Based on the evidence outlined above, the variant was classified as uncertain significance.

Labcorp Genetics (formerly Invitae), Labcorp
Classification: Likely pathogenic. Last evaluated: 2023-05-22. Review status: criteria provided, single submitter. Criteria: Invitae Variant Classification Sherloc (09022015). Collection method: clinical testing. Allele origin: germline.
Comment: In summary, the currently available evidence indicates that the variant is pathogenic, but additional data are needed to prove that conclusively. Therefore, this variant has been classified as Likely Pathogenic. Advanced modeling of protein sequence and biophysical properties (such as structural, functional, and spatial information, amino acid conservation, physicochemical variation, residue mobility, and thermodynamic stability) performed at Invitae indicates that this missense variant is expected to disrupt USH2A protein function. ClinVar contains an entry for this variant (Variation ID: 971895). This missense change has been observed in individuals with retinitis pigmentosa (PMID: 30948794, 32675063). This variant is not present in population databases (gnomAD no frequency). This sequence change replaces asparagine, which is neutral and polar, with isoleucine, which is neutral and non-polar, at codon 1494 of the USH2A protein (p.Asn1494Ile).

Natera, Inc.
Classification: Uncertain significance for Usher syndrome type 2A. Last evaluated: 2020-08-15. Review status: no assertion criteria provided. Collection method: clinical testing. Allele origin: germline. Not counted in ClinVar's aggregate classification.

Literature cited by the submitters: PubMed 32675063 (cited by Women's Health and Genetics/Laboratory Corporation of America, LabCorp and Labcorp Genetics (formerly Invitae), Labcorp); PubMed 30948794 (cited by Women's Health and Genetics/Laboratory Corporation of America, LabCorp and Labcorp Genetics (formerly Invitae), Labcorp).